The following is an entry in ClinVar:

ClinVar aggregate classification (germline): Conflicting classifications of pathogenicity. Review status: criteria provided, conflicting classifications (1 of 4 stars). 2 submissions from 2 submitters: Uncertain significance (1); Likely benign (1). Last evaluated 2026-06-01.

Conditions:
KBG syndrome (KBGS). Also called: ANKRD11-Related KBG Syndrome. Identifiers: Orphanet 2332, MedGen C0220687, MONDO:0007846, OMIM 148050.

Allele frequency attached by ClinVar (database versions not stated): gnomAD 0.00002 and 0.00003; TOPMed 0.00003.
gnomAD v4.1: 42 of 1,613,846 alleles (0.0026%); highest among the groups gnomAD compares: Middle Eastern, 0.016%; no homozygotes.

Submissions (2):

CeGaT Center for Human Genetics Tuebingen
Classification: Likely benign. Last evaluated: 2026-06-01. Review status: criteria provided, single submitter. Criteria: CeGaT Center For Human Genetics Tuebingen Variant Classification Criteria Version 2. Collection method: clinical testing. Allele origin: germline. Affected: yes. Observed: 2 variant alleles.
Comment: ANKRD11: BP4

Labcorp Genetics (formerly Invitae), Labcorp
Classification: Uncertain significance for KBG syndrome. Last evaluated: 2025-11-05. Review status: criteria provided, single submitter. Criteria: Invitae Variant Classification Sherloc (09022015). Collection method: clinical testing. Allele origin: germline.
Comment: This sequence change replaces proline, which is neutral and non-polar, with serine, which is neutral and polar, at codon 1561 of the ANKRD11 protein (p.Pro1561Ser). This variant is present in population databases (rs750132258, gnomAD 0.009%). This variant has not been reported in the literature in individuals affected with ANKRD11-related conditions. ClinVar contains an entry for this variant (Variation ID: 1432178). Invitae Evidence Modeling of protein sequence and biophysical properties (such as structural, functional, and spatial information, amino acid conservation, physicochemical variation, residue mobility, and thermodynamic stability) indicates that this missense variant is not expected to disrupt ANKRD11 protein function with a negative predictive value of 95%. In summary, the available evidence is currently insufficient to determine the role of this variant in disease. Therefore, it has been classified as a Variant of Uncertain Significance.

NM_013275.6(ANKRD11):c.4681C>T (p.Pro1561Ser)

Gene: ANKRD11 (ankyrin repeat domain 11; minus strand). Cytogenetic location: 16q24.3.
Variant type: single nucleotide variant.
Coding change: c.4681C>T on transcript NM_013275.6 (MANE Select); coding-DNA position 4681, C replaced by T.
Protein change: p.Pro1561Ser; replaces proline 1561 with serine.
Molecular consequence: missense variant.
Genome position (GRCh38, 1-based): chr16:89,281,861, G>A on the plus strand (C>T on the coding strand, the complement: ANKRD11 is on the minus strand). VCF-style: chr16-89281861-G-A. GRCh37 (hg19) VCF-style: chr16-89348269-G-A.
Other names: c.4681C>T, p.Pro1561Ser (NM_001256182.2, NM_001256183.2); short protein forms P1561S.
Identifiers: ClinVar variation 1432178 (VCV001432178.26), dbSNP rs750132258, ClinGen allele CA8242053.
Genomic context (GRCh38, chr16:89,281,861, plus strand): 5'-TCATCATCAGGTCGCCGTCCCCCAGGAGCTTCTCCCTGGGCCTGGCGTCTTTCTTGCCTG[G>A]GTCTTTGGATGGCGCTACCTTATCATTCCCGTTGCTCATCTTCACTGGGTCGCCCTTTTC-3'
Protein context (NP_037407.4, residues 1551-1571): GNDKVAPSKD[Pro1561Ser]GKKDARPREK